The following is an entry in ClinVar:

ClinVar aggregate classification (germline): Likely benign. Review status: criteria provided, multiple submitters, no conflicts (2 of 4 stars). 2 submissions from 2 submitters: Likely benign (2). Last evaluated 2025-10-14.

Conditions:
Paget disease of bone 2, early-onset (PDB2). Also called: Paget disease of bone 2. Identifiers: MedGen C4085251, MONDO:0011183, OMIM 602080.
Frontotemporal dementia and/or amyotrophic lateral sclerosis 1 (FTDALS1). Also called: C9orf72 Frontotemporal Dementia and/or Amyotrophic Lateral Sclerosis; Frontotemporal dementia with motor neuron disease 1. Identifiers: Orphanet 275872, MedGen C5779877, MONDO:0007105, OMIM 105550.

Allele frequency attached by ClinVar (database versions not stated): TOPMed below 0.00001; gnomAD 0.00001; gnomAD exomes 0.00001.

Submissions (2):

Labcorp Genetics (formerly Invitae), Labcorp
Classification: Likely benign for Paget disease of bone 2, early-onset; Frontotemporal dementia and/or amyotrophic lateral sclerosis 1. Last evaluated: 2025-10-14. Review status: criteria provided, single submitter. Criteria: Invitae Variant Classification Sherloc (09022015). Collection method: clinical testing. Allele origin: germline.

Mayo Clinic Laboratories, Mayo Clinic
Classification: Likely benign. Last evaluated: 2025-08-01. Review status: criteria provided, single submitter. Criteria: ACMG Guidelines, 2015. Collection method: clinical testing. Allele origin: germline. Observed: 2 variant alleles.
Comment: BP4, BP7

NM_003900.5(SQSTM1):c.1165+7G>T

Gene: SQSTM1 (sequestosome 1; plus strand). Cytogenetic location: 5q35.3.
Variant type: single nucleotide variant.
Coding change: c.1165+7G>T on transcript NM_003900.5 (MANE Select); 7 bases into the intron after coding-DNA position 1165, G replaced by T.
Molecular consequence: intron variant.
Genome position (GRCh38, 1-based): chr5:179,833,789, G>T. VCF-style: chr5-179833789-G-T. GRCh37 (hg19) VCF-style: chr5-179260789-G-T.
Other names: p.?; c.913+7G>T (NM_001142298.2, NM_001142299.2).
Identifiers: ClinVar variation 2077404 (VCV002077404.5), dbSNP rs902806244, ClinGen allele CA133109782.